The following is an entry in ClinVar:

ClinVar aggregate classification (germline): Uncertain significance. Review status: criteria provided, multiple submitters, no conflicts (2 of 4 stars). 2 submissions from 2 submitters: Uncertain significance (2). Last evaluated 2024-12-11.

Conditions:
Inborn genetic diseases. Identifiers: MedGen C0950123, MeSH D030342.

Allele frequency attached by ClinVar (database versions not stated): TOPMed below 0.00001.
gnomAD v4.1: 13 of 1,614,140 alleles (0.00081%); highest among the groups gnomAD compares: Non-Finnish European, 0.0011%; no homozygotes.

Submissions (2):

Ambry Genetics
Classification: Uncertain significance for Inborn genetic diseases. Last evaluated: 2024-12-11. Review status: criteria provided, single submitter. Criteria: Ambry Variant Classification Scheme 2023. Collection method: clinical testing. Allele origin: germline.

Labcorp Genetics (formerly Invitae), Labcorp
Classification: Uncertain significance. Last evaluated: 2022-03-04. Review status: criteria provided, single submitter. Criteria: Invitae Variant Classification Sherloc (09022015). Collection method: clinical testing. Allele origin: germline.
Comment: This sequence change replaces glutamic acid, which is acidic and polar, with lysine, which is basic and polar, at codon 172 of the BEST1 protein (p.Glu172Lys). This variant is not present in population databases (gnomAD no frequency). This variant has not been reported in the literature in individuals affected with BEST1-related conditions. Algorithms developed to predict the effect of missense changes on protein structure and function are either unavailable or do not agree on the potential impact of this missense change (SIFT: "Deleterious"; PolyPhen-2: "Probably Damaging"; Align-GVGD: "Class C0"). In summary, the available evidence is currently insufficient to determine the role of this variant in disease. Therefore, it has been classified as a Variant of Uncertain Significance.

NM_004183.4(BEST1):c.514G>A (p.Glu172Lys)

Gene: BEST1 (bestrophin 1; plus strand). Cytogenetic location: 11q12.3.
Variant type: single nucleotide variant.
Coding change: c.514G>A on transcript NM_004183.4 (MANE Select); coding-DNA position 514, G replaced by A.
Protein change: p.Glu172Lys; replaces glutamic acid 172 with lysine.
Molecular consequence: missense variant. On other transcripts: non-coding transcript variant (1).
Genome position (GRCh38, 1-based): chr11:61,956,876, G>A. VCF-style: chr11-61956876-G-A. GRCh37 (hg19) VCF-style: chr11-61724348-G-A.
Other names: c.334G>A, p.Glu112Lys (NM_001139443.3, NM_001300786.2, NM_001300787.2); c.196G>A, p.Glu66Lys (NM_001363591.3); c.514G>A, p.Glu172Lys (NM_001363592.2); c.-662G>A (NM_001363593.3); short protein forms E172K, E112K, E66K.
Identifiers: ClinVar variation 1970354 (VCV001970354.6), dbSNP rs1941424670, ClinGen allele CA380837118.